The following is an entry in ClinVar:

NM_177438.3(DICER1):c.2650+42_2650+43del

Gene: DICER1 (dicer 1, ribonuclease III; minus strand). Cytogenetic location: 14q32.13.
Variant type: Microsatellite.
Coding change: c.2650+42_2650+43del on transcript NM_177438.3 (MANE Select); bases 42 to 43 of the intron after coding-DNA position 2650, 2 bases deleted (TA; older notation c.2650+42_2650+43delTA).
Molecular consequence: intron variant.
Genome position (GRCh38, 1-based): chr14:95,107,837-95,107,838, TA deleted on the plus strand (TA on the coding strand, the reverse complement: DICER1 is on the minus strand); deleting any 2 consecutive bases within chr14:95,107,837-95,107,841 gives the same sequence; the c. name uses the placement nearest the transcript's 3' end. VCF-style (leftmost placement, unchanged base first): chr14-95107836-GTA-G. GRCh37 (hg19) VCF-style: chr14-95574173-GTA-G.
Other names: c.2650+42_2650+43del (NM_001291628.2, NM_030621.4, NM_001271282.3 and 1 more transcripts).
Identifiers: ClinVar variation 933059 (VCV000933059.3), dbSNP rs1566776291, ClinGen allele CA1139663654.

ClinVar aggregate classification (germline): Uncertain significance. Review status: criteria provided, multiple submitters, no conflicts (2 of 4 stars). 2 submissions from 2 submitters: Uncertain significance (2). Last evaluated 2023-09-23.

Conditions:
Global developmental delay - lung cysts - overgrowth - Wilms tumor syndrome. Also called: GLOBAL DEVELOPMENTAL DELAY, LUNG CYSTS, OVERGROWTH, AND WILMS TUMOR; GLOW Syndrome. Identifiers: Orphanet 404476, MedGen C4748924, MONDO:0018445, OMIM 618272.

Submissions (2):

Baylor Genetics
Classification: Uncertain significance for Global developmental delay - lung cysts - overgrowth - Wilms tumor syndrome. Last evaluated: 2023-09-23. Review status: criteria provided, single submitter. Criteria: ACMG Guidelines, 2015. Collection method: clinical testing. Allele origin: unknown.

Foulkes Cancer Genetics LDI, Lady Davis Institute for Medical Research
Classification: Uncertain significance. Last evaluated: 2019-07-01. Review status: criteria provided, single submitter. Criteria: ACMG Guidelines, 2015. Collection method: curation. Allele origin: germline. Affected: yes. Observed: 1 variant allele.
Comment: ACMG criteria met: None

Literature cited by the submitters: PubMed 25526195 (cited by Foulkes Cancer Genetics LDI, Lady Davis Institute for Medical Research).